The following is an entry in ClinVar:

ClinVar aggregate classification (germline): Uncertain significance. Review status: criteria provided, multiple submitters, no conflicts (2 of 4 stars). 3 submissions from 3 submitters: Uncertain significance (2). 1 of the submissions does not count toward it. Last evaluated 2025-08-27.

Conditions:
ABCB4-related disorder. Also called: ABCB4-related disorders; ABCB4-related condition.
Inborn genetic diseases. Identifiers: MedGen C0950123, MeSH D030342.

Allele frequency attached by ClinVar (database versions not stated): gnomAD exomes below 0.00001; ExAC 0.00001; gnomAD 0.00001; TOPMed 0.00001.
gnomAD v4.1: 4 of 1,608,344 alleles (0.00025%); highest among the groups gnomAD compares: African/African-American, 0.0027%; no homozygotes.

Submissions (3):

Ambry Genetics
Classification: Uncertain significance for Inborn genetic diseases. Last evaluated: 2025-08-27. Review status: criteria provided, single submitter. Criteria: Ambry Variant Classification Scheme 2023. Collection method: clinical testing. Allele origin: germline.

Labcorp Genetics (formerly Invitae), Labcorp
Classification: Uncertain significance. Last evaluated: 2024-06-28. Review status: criteria provided, single submitter. Criteria: Invitae Variant Classification Sherloc (09022015). Collection method: clinical testing. Allele origin: germline.
Comment: This sequence change replaces lysine, which is basic and polar, with arginine, which is basic and polar, at codon 33 of the ABCB4 protein (p.Lys33Arg). This variant is present in population databases (rs776880814, gnomAD 0.004%). This variant has not been reported in the literature in individuals affected with ABCB4-related conditions. Advanced modeling of protein sequence and biophysical properties (such as structural, functional, and spatial information, amino acid conservation, physicochemical variation, residue mobility, and thermodynamic stability) has been performed at Invitae for this missense variant, however the output from this modeling did not meet the statistical confidence thresholds required to predict the impact of this variant on ABCB4 protein function. In summary, the available evidence is currently insufficient to determine the role of this variant in disease. Therefore, it has been classified as a Variant of Uncertain Significance.

PreventionGenetics, part of Exact Sciences
Classification: Uncertain significance for ABCB4-related condition. Last evaluated: 2024-02-10. Review status: no assertion criteria provided. Collection method: clinical testing. Allele origin: germline. Not counted in ClinVar's aggregate classification.
Comment: The ABCB4 c.98A>G variant is predicted to result in the amino acid substitution p.Lys33Arg. To our knowledge, this variant has not been reported in the literature. This variant is reported in 0.0040% of alleles in individuals of African descent in gnomAD. At this time, the clinical significance of this variant is uncertain due to the absence of conclusive functional and genetic evidence.

NM_000443.4(ABCB4):c.98A>G (p.Lys33Arg)

Gene: ABCB4 (ATP binding cassette subfamily B member 4; minus strand). Cytogenetic location: 7q21.12.
Variant type: single nucleotide variant.
Coding change: c.98A>G on transcript NM_000443.4 (MANE Select); coding-DNA position 98, A replaced by G.
Protein change: p.Lys33Arg; replaces lysine 33 with arginine.
Molecular consequence: missense variant.
Genome position (GRCh38, 1-based): chr7:87,472,658, T>C on the plus strand (A>G on the coding strand, the complement: ABCB4 is on the minus strand). VCF-style: chr7-87472658-T-C. GRCh37 (hg19) VCF-style: chr7-87101974-T-C.
Other names: c.98A>G, p.Lys33Arg (NM_018849.3, NM_018850.3); short protein forms K33R.
Identifiers: ClinVar variation 3031083 (VCV003031083.5), dbSNP rs776880814, ClinGen allele CA4327625.